The following is an entry in ClinVar:

ClinVar aggregate classification (germline): Likely pathogenic. Review status: criteria provided, multiple submitters, no conflicts (2 of 4 stars). 5 submissions from 5 submitters: Likely pathogenic (4). 1 of the submissions does not count toward it. Last evaluated 2025-04-25.

Conditions:
Neurodegeneration, childhood-onset, stress-induced, with variable ataxia and seizures. Identifiers: Orphanet 694922, MedGen C4748527, MONDO:0100095, OMIM 618170.

Allele frequency attached by ClinVar (database versions not stated): gnomAD exomes below 0.00001 and 0.00001; TOPMed below 0.00001.
gnomAD v4.1: 11 of 1,604,870 alleles (0.00069%); highest among the groups gnomAD compares: Non-Finnish European, 0.00085%; no homozygotes.

Submissions (5):

3billion
Classification: Likely pathogenic for Neurodegeneration, childhood-onset, stress-induced, with variable ataxia and seizures. Last evaluated: 2025-04-25. Review status: criteria provided, single submitter. Criteria: ACMG Guidelines, 2015. Collection method: clinical testing. Allele origin: germline. Affected: yes.

Next Generation Genetic Polyclinic
Classification: Likely pathogenic for Neurodegeneration, childhood-onset, stress-induced, with variable ataxia and seizures. Last evaluated: 2025-03-05. Review status: criteria provided, single submitter. Criteria: ACMG Guidelines, 2015. Collection method: clinical testing. Allele origin: inherited. Affected: yes.
Comment: Our classification of this variant is based on the ACMG guidelines. The variant is extremely rare or absent in population databases, aligning with the proband’s clinical phenotype.

Division Of Personalized Genomic Medicine, Columbia University Irving Medical Center
Classification: Likely pathogenic for Neurodegeneration, childhood-onset, stress-induced, with variable ataxia and seizures. Last evaluated: 2019-10-07. Review status: criteria provided, single submitter. Criteria: ACMG Guidelines, 2015. Collection method: clinical testing. Allele origin: biparental, unknown. Inheritance: Autosomal recessive inheritance. Affected: yes and no. Observed: 2 heterozygotes, 1 homozygote. Clinical features observed: Neurodegeneration (HP:0002180), Neurodevelopmental abnormality (HP:0012759), Cerebral palsy (HP:0100021), Spasticity (HP:0001257), Chorea (HP:0002072), Generalized myoclonic seizure (HP:0002123), Unaffected (HP:0032321).
Comment: This variant results in the substitution of the highly-conserved serine at position 177 for a leucine. This variant localizes to coding exon 4 of the ADPRHL2 gene (6 coding exons in total; NM_017825.3), and is localized in a critical alpha-helical loop within the ADP-ribosylhydrolase domain (PMID: 30100084). In silico analysis predicts this change to be deleterious to the structure and/or function of the protein (possibly damaging by Polyphen2 and deleterious by SIFT). This variant has been observed in the Genome Aggregation Database (gnomAD) at a very low frequency (1/246,898), indicating it is not a common benign variant in the populations represented in this database. This variant has been reported in a homozygous state in two siblings with progressive weakness, seizures and deteriorating speech and motor development from a consanguineous Iranian family. Although functional studies of the variant and studies of patient cells were not performed, it was predicted to result in a loss of function (PMID: 30100084). Given this evidence, this variant is classified as likely pathogenic.

Rady Children's Institute for Genomic Medicine, Rady Children's Hospital San Diego
Classification: Likely pathogenic for NEURODEGENERATION, CHILDHOOD-ONSET, STRESS-INDUCED, WITH VARIABLE ATAXIA AND SEIZURES. Review status: criteria provided, single submitter. Criteria: ACMG Guidelines, 2015. Collection method: clinical testing. Allele origin: germline. Affected: yes.
Comment: This variant has been previously reported as a homozygous change in patients with Degenerative Pediatric Stress-Induced Epileptic Ataxia Syndrome (PMID: 30100084). The c.530C>T (p.Ser177Leu) variant is located in the ADP-ribosyl-glycohydrolase, which is a known hotspot domain for pathogenic variations associated with Degenerative Pediatric Stress-Induced Epileptic Ataxia Syndrome (PMID: 30100084). The c.530C>T (p.Ser177Leu) variant is present in the heterozygous state in the gnomAD population database at a frequency of 0.0004% (1/246898) and is absent in the homozygous state, thus it is presumed to be rare. The c.530C>T (p.Ser177Leu) variant affects a highly conserved amino acid and is predicted by multiple in silico tools to have a deleterious effect on protein function. Based on the available evidence, the c.530C>T (p.Ser177Leu) variant is classified as Likely Pathogenic.

OMIM
Classification: Pathogenic for NEURODEGENERATION, CHILDHOOD-ONSET, STRESS-INDUCED, WITH VARIABLE ATAXIA AND SEIZURES. Last evaluated: 2018-11-08. Review status: no assertion criteria provided. Collection method: literature only. Allele origin: germline. Not counted in ClinVar's aggregate classification.

Literature cited by the submitters: PubMed 30100084 (cited by 3 submitters).

NM_017825.3(ADPRS):c.530C>T (p.Ser177Leu)

Gene: ADPRS (ADP-ribosylserine hydrolase; plus strand). Cytogenetic location: 1p34.3.
Variant type: single nucleotide variant.
Coding change: c.530C>T on transcript NM_017825.3 (MANE Select); coding-DNA position 530, C replaced by T.
Protein change: p.Ser177Leu; replaces serine 177 with leucine.
Molecular consequence: missense variant.
Genome position (GRCh38, 1-based): chr1:36,091,923, C>T. VCF-style: chr1-36091923-C-T. GRCh37 (hg19) VCF-style: chr1-36557524-C-T.
Other names: short protein forms S177L.
Identifiers: ClinVar variation 590302 (VCV000590302.7), dbSNP rs200626873, ClinGen allele CA20697655.